The following is an entry in ClinVar:

NM_003640.5(ELP1):c.3200dup (p.Met1067fs)

Gene: ELP1 (elongator acetyltransferase complex subunit 1; minus strand). Cytogenetic location: 9q31.3.
Variant type: Duplication.
Coding change: c.3200dup on transcript NM_003640.5 (MANE Select); coding-DNA position 3200, one base duplicated (T; older notation c.3200dupT).
Protein change: p.Met1067fs; shifts the reading frame from methionine 1067.
Molecular consequence: frameshift variant.
Genome position (GRCh38, 1-based): chr9:108,889,354, A duplicated on the plus strand (T on the coding strand, the reverse complement: ELP1 is on the minus strand). VCF-style (leftmost placement, unchanged base first): chr9-108889353-C-CA. GRCh37 (hg19) VCF-style: chr9-111651633-C-CA.
Other names: c.2858dup, p.Met953fs (NM_001318360.2); c.2153dup, p.Met718fs (NM_001330749.2); short protein forms M1067fs, M718fs, M953fs.
Identifiers: ClinVar variation 2021650 (VCV002021650.4), dbSNP rs2537875102, ClinGen allele CA2580079346.
Genomic context (GRCh38, chr9:108,889,353, plus strand): 5'-TGCTGACTGGGGGGTTTAGAAGGGAGGAATTGAGTTTACCTGGGCACACTCTTCCAAAAC[C>CA]ATGGCCGCATCAATGTGCTTCCTCTGCTCAACCAGCTTTCCTGTAGAGACAATAAGCAGC-3'

ClinVar aggregate classification (germline): Pathogenic (1 of 4 stars; one submission).

Submission:

Labcorp Genetics (formerly Invitae), Labcorp
Classification: Pathogenic. Last evaluated: 2023-09-21. Review status: criteria provided, single submitter. Criteria: Invitae Variant Classification Sherloc (09022015). Collection method: clinical testing. Allele origin: germline.
Comment: This sequence change creates a premature translational stop signal (p.Met1067Ilefs*11) in the ELP1 gene. It is expected to result in an absent or disrupted protein product. Loss-of-function variants in ELP1 are known to be pathogenic (PMID: 18303054, 24173031). This variant is not present in population databases (gnomAD no frequency). This variant has not been reported in the literature in individuals affected with ELP1-related conditions. ClinVar contains an entry for this variant (Variation ID: 2021650). For these reasons, this variant has been classified as Pathogenic.

Literature cited by the submitters: PubMed 18303054; PubMed 24173031.